The following is an entry in ClinVar:

ClinVar aggregate classification (germline): Uncertain significance (1 of 4 stars; one submission).

gnomAD v4.1: 1 of 1,614,190 alleles (0.000062%); highest among the groups gnomAD compares: Non-Finnish European, 0.000085%; no homozygotes.

Submission:

Laboratorio de Genetica e Diagnostico Molecular, Hospital Israelita Albert Einstein
Classification: Uncertain significance. Last evaluated: 2021-04-01. Review status: criteria provided, single submitter. Criteria: ACMG Guidelines, 2015. Collection method: clinical testing. Allele origin: germline. Affected: yes.
Comment: ACMG classification criteria: PM2, BP1

NM_003383.5(VLDLR):c.1432A>G (p.Ile478Val)

Gene: VLDLR (very low density lipoprotein receptor; plus strand). Cytogenetic location: 9p24.2.
Variant type: single nucleotide variant.
Coding change: c.1432A>G on transcript NM_003383.5 (MANE Select); coding-DNA position 1432, A replaced by G.
Protein change: p.Ile478Val; replaces isoleucine 478 with valine.
Molecular consequence: missense variant.
Genome position (GRCh38, 1-based): chr9:2,645,693, A>G. VCF-style: chr9-2645693-A-G. GRCh37 (hg19) VCF-style: chr9-2645693-A-G.
Other names: c.1432A>G, p.Ile478Val (NM_001018056.3); c.1309A>G, p.Ile437Val (NM_001322225.2, NM_001322226.2); short protein forms I437V, I478V.
Identifiers: ClinVar variation 1690622 (VCV001690622.2), dbSNP rs2130796679, ClinGen allele CA372794598.
Genomic context (GRCh38, chr9:2,645,693, plus strand): 5'-AGGAAAGAATATATCCAACTAGTTGAACAGCTAAGAAACACTGTGGCTCTCGATGCTGAC[A>G]TTGCTGCCCAGAAACTATTCTGGGCCGATCTAAGCCAAAAGGCTATCTTCAGGTAACTTT-3'
Protein context (NP_003374.3, residues 468-488): LRNTVALDAD[Ile478Val]AAQKLFWADL